The following is an entry in ClinVar:

ClinVar aggregate classification (germline): Pathogenic (1 of 4 stars; one submission).

Conditions:
Cornelia de Lange syndrome 1 (CDLS1). Also called: TYPUS DEGENERATIVUS AMSTELODAMENSIS; Brachmann de Lange syndrome; NIPBL-Related Cornelia de Lange Syndrome. Identifiers: Orphanet 199, MedGen C4551851, MONDO:0007387, OMIM 122470.

Submission:

Women's Health and Genetics/Laboratory Corporation of America, LabCorp
Classification: Pathogenic for Cornelia de Lange syndrome 1. Last evaluated: 2026-01-27. Review status: criteria provided, single submitter. Criteria: LabCorp Variant Classification Summary - May 2015. Collection method: clinical testing. Allele origin: germline.
Comment: Variant summary: NIPBL c.7747A>T (p.Lys2583X) results in a premature termination codon, predicted to cause a truncation of the encoded protein or absence of the protein due to nonsense mediated decay, which are commonly known mechanisms for disease. The variant was absent in 251300 control chromosomes. To our knowledge, no experimental evidence demonstrating an impact on protein function has been reported. No submitters have cited clinical-significance assessments for this variant to ClinVar. Based on the evidence outlined above, the variant was classified as pathogenic.

NM_133433.4(NIPBL):c.7747A>T (p.Lys2583Ter)

Gene: NIPBL (NIPBL cohesin loading factor; plus strand). Cytogenetic location: 5p13.2.
Variant type: single nucleotide variant.
Coding change: c.7747A>T on transcript NM_133433.4 (MANE Select); coding-DNA position 7747, A replaced by T.
Protein change: p.Lys2583Ter; replaces lysine 2583 with a stop codon.
Molecular consequence: nonsense.
Genome position (GRCh38, 1-based): chr5:37,060,905, A>T. VCF-style: chr5-37060905-A-T. GRCh37 (hg19) VCF-style: chr5-37061007-A-T.
Other names: c.7747A>T, p.Lys2583Ter (NM_001438586.1, NM_015384.5); short protein forms K2583*.
Identifiers: ClinVar variation 4689319 (VCV004689319.1).
Genomic context (GRCh38, chr5:37,060,905, plus strand): 5'-AAAATTCAGAAGTACTCTCCATCTGAATCTGCAAAAGTATATGATAAAGCGATAAACCGA[A>T]AAACAGGAGTTCATTTTCATCCAAAACAAACACTGGACTTCCTGCGGAGTGACATGGCTA-3'